The following is an entry in ClinVar:

NM_203475.3(PORCN):c.1046C>T (p.Ala349Val)

Gene: PORCN (porcupine O-acyltransferase; plus strand). Cytogenetic location: Xp11.23.
Variant type: single nucleotide variant.
Coding change: c.1046C>T on transcript NM_203475.3 (MANE Select); coding-DNA position 1046, C replaced by T.
Protein change: p.Ala349Val; replaces alanine 349 with valine.
Molecular consequence: missense variant.
Genome position (GRCh38, 1-based): chrX:48,515,912, C>T. VCF-style: chrX-48515912-C-T. GRCh37 (hg19) VCF-style: chrX-48374300-C-T.
Other names: c.800C>T, p.Ala267Val (NM_001282167.2); c.1013C>T, p.Ala338Val (NM_022825.4); c.1031C>T, p.Ala344Val (NM_203473.3); c.1028C>T, p.Ala343Val (NM_203474.1); short protein forms A267V, A343V, A344V, A349V, A338V.
Identifiers: ClinVar variation 2798221 (VCV002798221.3), dbSNP rs2061712995, ClinGen allele CA412848701.

ClinVar aggregate classification (germline): Uncertain significance (1 of 4 stars; one submission).

Allele frequency attached by ClinVar (database versions not stated): gnomAD exomes below 0.00001.

Submission:

Labcorp Genetics (formerly Invitae), Labcorp
Classification: Uncertain significance. Last evaluated: 2023-11-07. Review status: criteria provided, single submitter. Criteria: Invitae Variant Classification Sherloc (09022015). Collection method: clinical testing. Allele origin: germline.
Comment: This sequence change replaces alanine, which is neutral and non-polar, with valine, which is neutral and non-polar, at codon 349 of the PORCN protein (p.Ala349Val). This variant is not present in population databases (gnomAD no frequency). This variant has not been reported in the literature in individuals affected with PORCN-related conditions. Advanced modeling of protein sequence and biophysical properties (such as structural, functional, and spatial information, amino acid conservation, physicochemical variation, residue mobility, and thermodynamic stability) has been performed at Invitae for this missense variant, however the output from this modeling did not meet the statistical confidence thresholds required to predict the impact of this variant on PORCN protein function. In summary, the available evidence is currently insufficient to determine the role of this variant in disease. Therefore, it has been classified as a Variant of Uncertain Significance.